The following is an entry in ClinVar:

NM_001023.4(RPS20):c.49A>G (p.Ile17Val)

Gene: RPS20 (ribosomal protein S20; minus strand). Cytogenetic location: 8q12.1.
Variant type: single nucleotide variant.
Coding change: c.49A>G on transcript NM_001023.4 (MANE Select); coding-DNA position 49, A replaced by G.
Protein change: p.Ile17Val; replaces isoleucine 17 with valine.
Molecular consequence: missense variant.
Genome position (GRCh38, 1-based): chr8:56,074,114, T>C on the plus strand (A>G on the coding strand, the complement: RPS20 is on the minus strand). VCF-style: chr8-56074114-T-C. GRCh37 (hg19) VCF-style: chr8-56986673-T-C.
Other names: c.49A>G (NM_001023.3); c.49A>G, p.Ile17Val (NM_001146227.3); short protein forms I17V.
Identifiers: ClinVar variation 2146183 (VCV002146183.5), dbSNP rs1282900749, ClinGen allele CA371283922.
Genomic context (GRCh38, chr8:56,074,114, plus strand): 5'-ACTGACCCTTTTCCAAGGATTTTACGTTGCGGCTTGTTAGGGTGATTCGAATTCGGTGAA[T>C]TGCCACCTCCGGCTCCACGGGTGTTTTTCCGGTATCCTTAAAAGCCTATTATTAGATACA-3'
Protein context (NP_001014.1, residues 7-27): GKTPVEPEVA[Ile17Val]HRIRITLTSR

ClinVar aggregate classification (germline): Uncertain significance. Review status: criteria provided, multiple submitters, no conflicts (2 of 4 stars). 2 submissions from 2 submitters: Uncertain significance (2). Last evaluated 2026-02-26.

Allele frequency attached by ClinVar (database versions not stated): gnomAD exomes below 0.00001; gnomAD 0.00001; TOPMed 0.00001.
gnomAD v4.1: 5 of 1,613,740 alleles (0.00031%); highest among the groups gnomAD compares: South Asian, 0.0022%; no homozygotes.

Submissions (2):

Ambry Genetics
Classification: Uncertain significance. Last evaluated: 2026-02-26. Review status: criteria provided, single submitter. Criteria: Ambry Variant Classification Scheme 2023. Collection method: clinical testing. Allele origin: germline.
Comment: The p.I17V variant (also known as c.49A>G), located in coding exon 2 of the RPS20 gene, results from an A to G substitution at nucleotide position 49. The isoleucine at codon 17 is replaced by valine, an amino acid with highly similar properties. This amino acid position is highly conserved in available vertebrate species. In addition, the in silico prediction for this alteration is inconclusive. Based on the available evidence, the clinical significance of this variant remains unclear.

Labcorp Genetics (formerly Invitae), Labcorp
Classification: Uncertain significance. Last evaluated: 2025-12-15. Review status: criteria provided, single submitter. Criteria: Invitae Variant Classification Sherloc (09022015). Collection method: clinical testing. Allele origin: germline.
Comment: This sequence change replaces isoleucine, which is neutral and non-polar, with valine, which is neutral and non-polar, at codon 17 of the RPS20 protein (p.Ile17Val). This variant is present in population databases (no rsID available, gnomAD 0.003%). This variant has not been reported in the literature in individuals affected with RPS20-related conditions. ClinVar contains an entry for this variant (Variation ID: 2146183). An algorithm developed to predict the effect of missense changes on protein structure and function (PolyPhen-2) suggests that this variant is likely to be tolerated. In summary, the available evidence is currently insufficient to determine the role of this variant in disease. Therefore, it has been classified as a Variant of Uncertain Significance.